The following is an entry in ClinVar:

NM_004082.5(DCTN1):c.373A>G (p.Thr125Ala)

Gene: DCTN1 (dynactin subunit 1; minus strand). Cytogenetic location: 2p13.1.
Variant type: single nucleotide variant.
Coding change: c.373A>G on transcript NM_004082.5 (MANE Select); coding-DNA position 373, A replaced by G.
Protein change: p.Thr125Ala; replaces threonine 125 with alanine.
Molecular consequence: missense variant. On other transcripts: non-coding transcript variant (1).
Genome position (GRCh38, 1-based): chr2:74,377,452, T>C on the plus strand (A>G on the coding strand, the complement: DCTN1 is on the minus strand). VCF-style: chr2-74377452-T-C. GRCh37 (hg19) VCF-style: chr2-74604579-T-C.
Other names: c.373A>G (NM_004082.4); c.373A>G, p.Thr125Ala (NM_001135040.3, NM_001190837.2); c.322A>G, p.Thr108Ala (NM_001190836.2, NM_001378991.1, NM_001378992.1); short protein forms T108A, T125A.
Identifiers: ClinVar variation 1045040 (VCV001045040.11), dbSNP rs745657856, ClinGen allele CA1722518.

ClinVar aggregate classification (germline): Uncertain significance. Review status: criteria provided, multiple submitters, no conflicts (2 of 4 stars). 2 submissions from 2 submitters: Uncertain significance (2). Last evaluated 2021-03-26.

Conditions:
Perry syndrome. Also called: PARKINSONISM WITH ALVEOLAR HYPOVENTILATION AND MENTAL DEPRESSION. Identifiers: Orphanet 178509, MedGen C1868594, MONDO:0008201, OMIM 168605.
Amyotrophic lateral sclerosis type 1 (ALS1). Also called: AMYOTROPHIC LATERAL SCLEROSIS 1, FAMILIAL. Identifiers: Orphanet 803, MedGen C1862939, MONDO:0007103, OMIM 105400.
Neuronopathy, distal hereditary motor, type 7B. Also called: NEURONOPATHY, DISTAL HEREDITARY MOTOR, AUTOSOMAL DOMINANT 14; NEURONOPATHY, DISTAL HEREDITARY MOTOR, HARDING TYPE VIIB; NEUROPATHY, DISTAL HEREDITARY MOTOR, HARDING TYPE VIIB; NEUROPATHY, DISTAL HEREDITARY MOTOR, WITH VOCAL CORD PARALYSIS, HARDING TYPE VIIB; HMN VIIB; LOWER MOTOR NEURON DISEASE, DYNACTIN TYPE. Identifiers: Orphanet 139589, MedGen C1843315, MONDO:0011879, OMIM 607641.

Allele frequency attached by ClinVar (database versions not stated): TOPMed below 0.00001; ExAC 0.00001; gnomAD exomes 0.00001.
gnomAD v4.1: 9 of 1,613,682 alleles (0.00056%); highest among the groups gnomAD compares: Admixed American, 0.0033%; no homozygotes.

Submissions (2):

Revvity Omics, Revvity
Classification: Uncertain significance. Last evaluated: 2021-03-26. Review status: criteria provided, single submitter. Criteria: ACMG Guidelines, 2015. Collection method: clinical testing. Allele origin: germline.

Labcorp Genetics (formerly Invitae), Labcorp
Classification: Uncertain significance for Amyotrophic lateral sclerosis type 1; Neuronopathy, distal hereditary motor, type 7B; Perry syndrome. Last evaluated: 2020-07-24. Review status: criteria provided, single submitter. Criteria: Invitae Variant Classification Sherloc (09022015). Collection method: clinical testing. Allele origin: germline.
Comment: This variant has not been reported in the literature in individuals with DCTN1-related conditions. Algorithms developed to predict the effect of missense changes on protein structure and function output the following: SIFT: "Tolerated"; PolyPhen-2: "Benign"; Align-GVGD: "Class C0". The alanine amino acid residue is found in multiple mammalian species, suggesting that this missense change does not adversely affect protein function. These predictions have not been confirmed by published functional studies and their clinical significance is uncertain. In summary, the available evidence is currently insufficient to determine the role of this variant in disease. Therefore, it has been classified as a Variant of Uncertain Significance. This variant is present in population databases (rs745657856, ExAC 0.009%). This sequence change replaces threonine with alanine at codon 125 of the DCTN1 protein (p.Thr125Ala). The threonine residue is weakly conserved and there is a small physicochemical difference between threonine and alanine.